The following is an entry in ClinVar:

NM_177438.3(DICER1):c.2805-3T>C

Gene: DICER1 (dicer 1, ribonuclease III; minus strand). Cytogenetic location: 14q32.13.
Variant type: single nucleotide variant.
Coding change: c.2805-3T>C on transcript NM_177438.3 (MANE Select); 3 bases into the intron before coding-DNA position 2805, T replaced by C.
Molecular consequence: intron variant.
Genome position (GRCh38, 1-based): chr14:95,106,226, A>G on the plus strand (T>C on the coding strand, the complement: DICER1 is on the minus strand). VCF-style: chr14-95106226-A-G. GRCh37 (hg19) VCF-style: chr14-95572563-A-G.
Other names: p.?; c.2805-3T>C (NM_001291628.2, NM_030621.4, NM_001271282.3 and 1 more transcripts).
Identifiers: ClinVar variation 821823 (VCV000821823.13), dbSNP rs1595374387, ClinGen allele CA915946383.
Genomic context (GRCh38, chr14:95,106,226, plus strand): 5'-AAGATCAGTGTACACATCAGCTACATAAAATCGATGAGGCTGATCAAAATTGCGATATCT[A>G]AAAAAGAAAAACAAAAAAACAATCAGTTGCTTTTTGATTTAAATCAACTATTCTCAAAAT-3'

ClinVar aggregate classification (germline): Conflicting classifications of pathogenicity. Review status: criteria provided, conflicting classifications (1 of 4 stars). 3 submissions from 3 submitters: Uncertain significance (1); Likely benign (2). Last evaluated 2025-05-05.

Conditions:
Hereditary cancer-predisposing syndrome. Also called: Hereditary Cancer Syndrome; Neoplastic Syndromes, Hereditary; Hereditary neoplastic syndrome; Tumor predisposition. Identifiers: Orphanet 140162, MedGen C0027672, MeSH D009386, MONDO:0015356.
DICER1-related tumor predisposition. Also called: DICER1-related pleuropulmonary blastoma cancer predisposition syndrome; DICER1 syndrome. Identifiers: Orphanet 284343, MedGen C3839822, MONDO:0100216.

Allele frequency attached by ClinVar (database versions not stated): gnomAD exomes below 0.00001.
gnomAD v4.1: 1 of 1,611,448 alleles (0.000062%); highest among the groups gnomAD compares: Non-Finnish European, 0.000085%; no homozygotes.

Submissions (3):

Labcorp Genetics (formerly Invitae), Labcorp
Classification: Likely benign for DICER1-related tumor predisposition. Last evaluated: 2025-05-05. Review status: criteria provided, single submitter. Criteria: Invitae Variant Classification Sherloc (09022015). Collection method: clinical testing. Allele origin: germline.

Ambry Genetics
Classification: Likely benign for Hereditary cancer-predisposing syndrome. Last evaluated: 2024-11-05. Review status: criteria provided, single submitter. Criteria: Ambry Variant Classification Scheme 2023. Collection method: clinical testing. Allele origin: germline.

Mayo Clinic Laboratories, Mayo Clinic
Classification: Uncertain significance. Last evaluated: 2023-10-30. Review status: criteria provided, single submitter. Criteria: ACMG Guidelines, 2015. Collection method: clinical testing. Allele origin: germline. Observed: 1 variant allele.
Comment: BP4, PM2_moderate